The following is an entry in ClinVar:

ClinVar aggregate classification (germline): Uncertain significance (1 of 4 stars; one submission).

Submission:

Ambry Genetics
Classification: Uncertain significance. Last evaluated: 2025-04-19. Review status: criteria provided, single submitter. Criteria: Ambry Variant Classification Scheme 2023. Collection method: clinical testing. Allele origin: germline.
Comment: The p.S367F variant (also known as c.1100C>T), located in coding exon 2 of the CDK12 gene, results from a C to T substitution at nucleotide position 1100. The serine at codon 367 is replaced by phenylalanine, an amino acid with highly dissimilar properties. This amino acid position is conserved. In addition, the in silico prediction for this alteration is inconclusive. Based on the available evidence, the clinical significance of this variant remains unclear.

NM_016507.4(CDK12):c.1100C>T (p.Ser367Phe)

Gene: CDK12 (cyclin dependent kinase 12; plus strand). Cytogenetic location: 17q12.
Variant type: single nucleotide variant.
Coding change: c.1100C>T on transcript NM_016507.4 (MANE Select); coding-DNA position 1100, C replaced by T.
Protein change: p.Ser367Phe; replaces serine 367 with phenylalanine.
Molecular consequence: missense variant.
Genome position (GRCh38, 1-based): chr17:39,470,932, C>T. VCF-style: chr17-39470932-C-T. GRCh37 (hg19) VCF-style: chr17-37627185-C-T.
Other names: c.1100C>T, p.Ser367Phe (NM_015083.4); short protein forms S367F.
Identifiers: ClinVar variation 3999377 (VCV003999377.1).